The following is an entry in ClinVar:

ClinVar aggregate classification (germline): not provided (0 of 4 stars; one submission).

Conditions:
Preeclampsia. Identifiers: Orphanet 275555, MedGen C0032914, MONDO:0005081, HP:0100602.

Submission:

Institute of Molecular and Cell Biology, University of Tartu
No classification provided. Condition: Preeclampsia. Review status: no classification provided. Collection method: case-control. Allele origin: unknown. Affected: yes. Study: Kasak2014.
Comment: The study aimed to determine the contribution of copy number variants in the genetic etiology of normal and complicated pregnancies. The samples represented (i) maternal blood DNA drawn from healthy pregnant women during 1st or 2nd trimester and (ii) maternal and paternal blood DNA drawn at term pregnancy cases representing normal and complicated gestations (severe preeclampsia, PE; gestational diabetes, GD; small-for-gestational age newborn, SGA; large-for-gestational age newborn, LGA). We performed CNV calling based on genome-wide genotyping dataset (Illumina HumanOmniExpress-24-v1 BeadChip) by applying three algorithms, QuantiSNP, GADA (Genome Alteration Detection Algorithm) and CNstream in parallel. The acquired CNV calls were merged with HD-CNV (Hotspot Detector for Copy Number Variants) program and only the CNVs predicted by at least two programs, were considered in subsequent analysis.

Literature cited by the submitters: PubMed 25666259.

NM_018012.4(KIF26B):c.1166+53868_1166+59172del

Gene: KIF26B (kinesin family member 26B; plus strand). Cytogenetic location: 1q44.
Variant type: Deletion.
Coding change: c.1166+53868_1166+59172del on transcript NM_018012.4 (MANE Select); bases 53868 to 59172 of the intron after coding-DNA position 1166, 5,305 bases deleted.
Molecular consequence: intron variant.
Genome position (GRCh38, 1-based): chr1:245,473,613-245,478,917, 5,305 bases deleted. GRCh37 (hg19): chr1:245,636,915-245,642,219.
Identifiers: ClinVar variation 156775 (VCV000156775.2), ClinGen allele CA211979.